The following is an entry in ClinVar:

NM_001429.4(EP300):c.6786G>C (p.Gln2262His)

Gene: EP300 (EP300 lysine acetyltransferase; plus strand). Cytogenetic location: 22q13.2.
Variant type: single nucleotide variant.
Coding change: c.6786G>C on transcript NM_001429.4 (MANE Select); coding-DNA position 6786, G replaced by C.
Protein change: p.Gln2262His; replaces glutamine 2262 with histidine.
Molecular consequence: missense variant.
Genome position (GRCh38, 1-based): chr22:41,178,497, G>C. VCF-style: chr22-41178497-G-C. GRCh37 (hg19) VCF-style: chr22-41574501-G-C.
Other names: c.6708G>C, p.Gln2236His (NM_001362843.2); short protein forms Q2236H, Q2262H.
Identifiers: ClinVar variation 1030398 (VCV001030398.4), dbSNP rs2059217082, ClinGen allele CA411682738.
Genomic context (GRCh38, chr22:41,178,497, plus strand): 5'-AGGCCAGCTTCCCCAGGCCTTGGGAGCAGAGGCAGGTGCCAGTCTACAGGCCTATCAGCA[G>C]CGACTCCTTCAGCAACAGATGGGGTCCCCTGTTCAGCCCAACCCCATGAGCCCCCAGCAG-3'
Protein context (NP_001420.2, residues 2252-2272): EAGASLQAYQ[Gln2262His]RLLQQQMGSP

ClinVar aggregate classification (germline): Uncertain significance. Review status: criteria provided, multiple submitters, no conflicts (2 of 4 stars). 3 submissions from 3 submitters: Uncertain significance (3). Last evaluated 2024-05-13.

Conditions:
Menke-Hennekam syndrome 2 (MKHK2). Identifiers: MedGen C5193035, MONDO:0020769, OMIM 618333.
Rubinstein-Taybi syndrome due to EP300 haploinsufficiency. Also called: EP300-Related Rubinstein-Taybi Syndrome; RUBINSTEIN-TAYBI SYNDROME 2. Identifiers: Orphanet 353284, Orphanet 783, MedGen C3150941, MONDO:0013364, OMIM 613684.

Allele frequency attached by ClinVar (database versions not stated): gnomAD exomes below 0.00001; TOPMed below 0.00001.
gnomAD v4.1: 1 of 1,614,046 alleles (0.000062%); highest among the groups gnomAD compares: Admixed American, 0.0017%; no homozygotes.

Submissions (3):

Labcorp Genetics (formerly Invitae), Labcorp
Classification: Uncertain significance for Rubinstein-Taybi syndrome due to EP300 haploinsufficiency. Last evaluated: 2024-05-13. Review status: criteria provided, single submitter. Criteria: Invitae Variant Classification Sherloc (09022015). Collection method: clinical testing. Allele origin: germline.
Comment: This sequence change replaces glutamine, which is neutral and polar, with histidine, which is basic and polar, at codon 2262 of the EP300 protein (p.Gln2262His). This variant is not present in population databases (gnomAD no frequency). This variant has not been reported in the literature in individuals affected with EP300-related conditions. ClinVar contains an entry for this variant (Variation ID: 1030398). Advanced modeling of protein sequence and biophysical properties (such as structural, functional, and spatial information, amino acid conservation, physicochemical variation, residue mobility, and thermodynamic stability) performed at Invitae indicates that this missense variant is not expected to disrupt EP300 protein function with a negative predictive value of 80%. In summary, the available evidence is currently insufficient to determine the role of this variant in disease. Therefore, it has been classified as a Variant of Uncertain Significance.

GeneDx
Classification: Uncertain significance. Last evaluated: 2023-02-14. Review status: criteria provided, single submitter. Criteria: GeneDx Variant Classification Process June 2021. Collection method: clinical testing. Allele origin: germline. Affected: yes.
Comment: Not observed at significant frequency in large population cohorts (gnomAD); In silico analysis supports that this missense variant has a deleterious effect on protein structure/function; Has not been previously published as pathogenic or benign to our knowledge

Baylor Genetics
Classification: Uncertain significance for Menke-Hennekam syndrome 2. Last evaluated: 2020-04-12. Review status: criteria provided, single submitter. Criteria: ACMG Guidelines, 2015. Collection method: clinical testing. Allele origin: unknown. Affected: yes.
Comment: This variant was determined to be of uncertain significance according to ACMG Guidelines, 2015 [PMID:25741868].